The following is an entry in ClinVar:

ClinVar aggregate classification (germline): Uncertain significance. Review status: criteria provided, multiple submitters, no conflicts (2 of 4 stars). 2 submissions from 2 submitters: Uncertain significance (2). Last evaluated 2023-09-27.

Allele frequency attached by ClinVar (database versions not stated): gnomAD exomes below 0.00001.
gnomAD v4.1: 3 of 1,613,968 alleles (0.00019%); highest among the groups gnomAD compares: South Asian, 0.0011%; no homozygotes.

Submissions (2):

ARUP Laboratories, Molecular Genetics and Genomics, ARUP Laboratories
Classification: Uncertain significance. Last evaluated: 2023-09-27. Review status: criteria provided, single submitter. Criteria: ARUP Molecular Germline Variant Investigation Process 2024. Collection method: clinical testing. Allele origin: germline.

GeneDx
Classification: Uncertain significance. Last evaluated: 2023-08-02. Review status: criteria provided, single submitter. Criteria: GeneDx Variant Classification Process June 2021. Collection method: clinical testing. Allele origin: germline. Affected: yes.
Comment: Not observed at significant frequency in large population cohorts (gnomAD); In silico analysis supports that this missense variant has a deleterious effect on protein structure/function; Has not been previously published as pathogenic or benign to our knowledge

NM_015559.3(SETBP1):c.2591C>T (p.Thr864Met)

Gene: SETBP1 (SET binding protein 1; plus strand). Cytogenetic location: 18q12.3.
Variant type: single nucleotide variant.
Coding change: c.2591C>T on transcript NM_015559.3 (MANE Select); coding-DNA position 2591, C replaced by T.
Protein change: p.Thr864Met; replaces threonine 864 with methionine.
Molecular consequence: missense variant.
Genome position (GRCh38, 1-based): chr18:44,951,931, C>T. VCF-style: chr18-44951931-C-T. GRCh37 (hg19) VCF-style: chr18-42531896-C-T.
Other names: c.2591C>T, p.Thr864Met (NM_001379141.1, NM_001379142.1, NM_001410862.1); short protein forms T864M.
Identifiers: ClinVar variation 2575723 (VCV002575723.2), dbSNP rs2071363185, ClinGen allele CA402321780.